The following is an entry in ClinVar:

ClinVar aggregate classification (germline): Uncertain significance (1 of 4 stars; one submission).

Conditions:
Congenital contractural arachnodactyly (CCA). Also called: BEALS SYNDROME; Arthrogryposis, distal, type 9; Beals-Hecht syndrome. Identifiers: Orphanet 115, MedGen C0220668, MONDO:0007363, OMIM 121050.

Allele frequency attached by ClinVar (database versions not stated): gnomAD exomes below 0.00001.
gnomAD v4.1: 1 of 1,613,146 alleles (0.000062%); no homozygotes.

Submission:

Labcorp Genetics (formerly Invitae), Labcorp
Classification: Uncertain significance for Congenital contractural arachnodactyly. Last evaluated: 2023-08-25. Review status: criteria provided, single submitter. Criteria: Invitae Variant Classification Sherloc (09022015). Collection method: clinical testing. Allele origin: germline.
Comment: In summary, the available evidence is currently insufficient to determine the role of this variant in disease. Therefore, it has been classified as a Variant of Uncertain Significance. Advanced modeling of protein sequence and biophysical properties (such as structural, functional, and spatial information, amino acid conservation, physicochemical variation, residue mobility, and thermodynamic stability) performed at Invitae indicates that this missense variant is not expected to disrupt FBN2 protein function. ClinVar contains an entry for this variant (Variation ID: 641578). This variant has not been reported in the literature in individuals affected with FBN2-related conditions. This variant is not present in population databases (gnomAD no frequency). This sequence change replaces leucine, which is neutral and non-polar, with isoleucine, which is neutral and non-polar, at codon 2911 of the FBN2 protein (p.Leu2911Ile).

NM_001999.4(FBN2):c.8731C>A (p.Leu2911Ile)

Gene: FBN2 (fibrillin 2; minus strand). Cytogenetic location: 5q23.3.
Variant type: single nucleotide variant.
Coding change: c.8731C>A on transcript NM_001999.4 (MANE Select); coding-DNA position 8731, C replaced by A.
Protein change: p.Leu2911Ile; replaces leucine 2911 with isoleucine.
Molecular consequence: missense variant.
Genome position (GRCh38, 1-based): chr5:128,259,463, G>T on the plus strand (C>A on the coding strand, the complement: FBN2 is on the minus strand). VCF-style: chr5-128259463-G-T. GRCh37 (hg19) VCF-style: chr5-127595155-G-T.
Other names: short protein forms L2911I.
Identifiers: ClinVar variation 641578 (VCV000641578.9), dbSNP rs887275019, ClinGen allele CA127001666.